The following is an entry in ClinVar:

NM_000764.3(CYP2A7):c.1192G>A (p.Val398Met)

Gene: CYP2A7 (cytochrome P450 family 2 subfamily A member 7; minus strand). Cytogenetic location: 19q13.2.
Variant type: single nucleotide variant.
Coding change: c.1192G>A on transcript NM_000764.3 (MANE Select); coding-DNA position 1192, G replaced by A.
Protein change: p.Val398Met; replaces valine 398 with methionine.
Molecular consequence: missense variant.
Genome position (GRCh38, 1-based): chr19:40,876,638, C>T on the plus strand (G>A on the coding strand, the complement: CYP2A7 is on the minus strand). VCF-style: chr19-40876638-C-T. GRCh37 (hg19) VCF-style: chr19-41382543-C-T.
Other names: c.1039G>A, p.Val347Met (NM_030589.3); short protein forms V347M, V398M.
Identifiers: ClinVar variation 2649917 (VCV002649917.24), dbSNP rs138869707, ClinGen allele CA9453479.

ClinVar aggregate classification (germline): Likely benign (1 of 4 stars; one submission).

Allele frequency attached by ClinVar (database versions not stated): 1000 Genomes Project 0.00100; gnomAD exomes 0.00465; ESP Exome Variant Server 0.00477; 1000 Genomes Project 30x 0.00141; gnomAD 0.00397; TOPMed 0.00397; ExAC 0.00412.
gnomAD v4.1: 7,497 of 1,612,776 alleles (0.46%); highest among the groups gnomAD compares: Middle Eastern, 0.58%; 206 homozygotes.

Submission:

CeGaT Center for Human Genetics Tuebingen
Classification: Likely benign. Last evaluated: 2026-04-01. Review status: criteria provided, single submitter. Criteria: CeGaT Center For Human Genetics Tuebingen Variant Classification Criteria Version 2. Collection method: clinical testing. Allele origin: germline. Affected: yes. Observed: 3 variant alleles.
Comment: CYP2A7: BS2